The following is an entry in ClinVar:

NM_001365276.2(TNXB):c.3926G>T (p.Gly1309Val)

Gene: TNXB (tenascin XB; minus strand). Cytogenetic location: 6p21.33.
Variant type: single nucleotide variant.
Coding change: c.3926G>T on transcript NM_001365276.2 (MANE Select); coding-DNA position 3926, G replaced by T.
Protein change: p.Gly1309Val; replaces glycine 1309 with valine.
Molecular consequence: missense variant.
Genome position (GRCh38, 1-based): chr6:32,081,484, C>A on the plus strand (G>T on the coding strand, the complement: TNXB is on the minus strand). VCF-style: chr6-32081484-C-A. GRCh37 (hg19) VCF-style: chr6-32049261-C-A.
Other names: c.3926G>T, p.Gly1309Val (NM_019105.8); short protein forms G1309V.
Identifiers: ClinVar variation 1736232 (VCV001736232.3), dbSNP rs769553878, ClinGen allele CA3735080.

ClinVar aggregate classification (germline): Uncertain significance. Review status: criteria provided, multiple submitters, no conflicts (2 of 4 stars). 2 submissions from 2 submitters: Uncertain significance (2). Last evaluated 2024-05-13.

Conditions:
Cardiovascular phenotype. Identifiers: MedGen CN230736.

Allele frequency attached by ClinVar (database versions not stated): gnomAD 0.00001; ExAC 0.00002; TOPMed 0.00002.
gnomAD v4.1: 27 of 1,604,694 alleles (0.0017%); highest among the groups gnomAD compares: Non-Finnish European, 0.0021%; no homozygotes.

Submissions (2):

GeneDx
Classification: Uncertain significance. Last evaluated: 2024-05-13. Review status: criteria provided, single submitter. Criteria: GeneDx Variant Classification Process June 2021. Collection method: clinical testing. Allele origin: germline. Affected: yes.
Comment: Has not been previously published as pathogenic or benign to our knowledge; Not observed at significant frequency in large population cohorts (gnomAD); In silico analysis supports that this missense variant has a deleterious effect on protein structure/function

Ambry Genetics
Classification: Uncertain significance for Cardiovascular phenotype. Last evaluated: 2022-06-27. Review status: criteria provided, single submitter. Criteria: Ambry Variant Classification Scheme 2023. Collection method: clinical testing. Allele origin: germline.
Comment: The p.G1309V variant (also known as c.3926G>T), located in coding exon 9 of the TNXB gene, results from a G to T substitution at nucleotide position 3926. The glycine at codon 1309 is replaced by valine, an amino acid with dissimilar properties. This amino acid position is conserved. In addition, this alteration is predicted to be tolerated by in silico analysis. Since supporting evidence is limited at this time, the clinical significance of this alteration remains unclear.